The following is an entry in ClinVar:

NM_000352.6(ABCC8):c.486C>T (p.Ile162=)

Gene: ABCC8 (ATP binding cassette subfamily C member 8; minus strand). Cytogenetic location: 11p15.1.
Variant type: single nucleotide variant.
Coding change: c.486C>T on transcript NM_000352.6 (MANE Select); coding-DNA position 486, C replaced by T.
Protein change: p.Ile162=; no amino-acid change (isoleucine 162 retained).
Molecular consequence: synonymous variant. On other transcripts: non-coding transcript variant (1).
Genome position (GRCh38, 1-based): chr11:17,463,531, G>A on the plus strand (C>T on the coding strand, the complement: ABCC8 is on the minus strand). VCF-style: chr11-17463531-G-A. GRCh37 (hg19) VCF-style: chr11-17485078-G-A.
Other names: c.486C>T, p.Ile162= (NM_001287174.3, NM_001351295.2, NM_001351296.2 and 1 more transcripts).
Identifiers: ClinVar variation 303786 (VCV000303786.21), dbSNP rs149872185, ClinGen allele CA5903864.

ClinVar aggregate classification (germline): Conflicting classifications of pathogenicity. Review status: criteria provided, conflicting classifications (1 of 4 stars). 9 submissions from 6 submitters: Uncertain significance (4); Benign (1); Likely benign (3). 1 of the submissions does not count toward it. Last evaluated 2026-01-26.

Conditions:
Diabetes mellitus, transient neonatal, 2 (TNDM2). Identifiers: Orphanet 99886, MedGen C1835887, MONDO:0012480, OMIM 610374. Disease mechanism: loss of function.
ABCC8-related disorder.
Maturity-onset diabetes of the young (MODY). Also called: Maturity onset diabetes mellitus in young. Identifiers: Orphanet 552, MedGen C0342276, MONDO:0018911, HP:0004904.
Hyperinsulinemic hypoglycemia, familial, 1 (HHF1). Also called: HYPERINSULINISM, FAMILIAL, WITH PANCREATIC NESIDIOBLASTOSIS; HYPOGLYCEMIA, HYPERINSULINEMIC, OF INFANCY; Persistent hyperinsulinemic hypoglycemia of infancy; NESIDIOBLASTOSIS OF PANCREAS; Persistent Hyperinsulinemia Hypoglycemia of Infancy. Identifiers: Orphanet 276575, Orphanet 276598, MedGen C2931832, MONDO:0009734, OMIM 256450.
Permanent neonatal diabetes mellitus (PNDM). Identifiers: Orphanet 99885, MedGen C1833104, MONDO:0100164, MONDO:0011643. Disease mechanism: gain of function.
Transitory neonatal diabetes mellitus. Also called: Transient neonatal diabetes mellitus. Identifiers: MedGen C0342273, MONDO:0020525, HP:0008255.

Allele frequency attached by ClinVar (database versions not stated): gnomAD exomes 0.00003 and 0.00006; ExAC 0.00011; ESP Exome Variant Server 0.00015; 1000 Genomes Project 30x 0.00016; 1000 Genomes Project 0.00020; TOPMed 0.00035; gnomAD 0.00037 and 0.00038.
gnomAD v4.1: 104 of 1,598,312 alleles (0.0065%); highest among the groups gnomAD compares: African/African-American, 0.13%; no homozygotes.

Submissions (9):

Labcorp Genetics (formerly Invitae), Labcorp
Classification: Likely benign. Last evaluated: 2026-01-26. Review status: criteria provided, single submitter. Criteria: Invitae Variant Classification Sherloc (09022015). Collection method: clinical testing. Allele origin: germline.

Women's Health and Genetics/Laboratory Corporation of America, LabCorp
Classification: Likely benign. Last evaluated: 2025-05-20. Review status: criteria provided, single submitter. Criteria: LabCorp Variant Classification Summary - May 2015. Collection method: clinical testing. Allele origin: germline.

Blueprint Genetics
Classification: Likely benign. Last evaluated: 2022-03-23. Review status: criteria provided, single submitter. Criteria: ACMG Guidelines, 2015. Collection method: clinical testing. Allele origin: germline.

Illumina Laboratory Services, Illumina
Classification: Uncertain significance for Hyperinsulinemic hypoglycemia, familial, 1. Last evaluated: 2018-01-13. Review status: criteria provided, single submitter. Criteria: ICSL Variant Classification Criteria 13 December 2019. Collection method: clinical testing. Allele origin: germline.

Illumina Laboratory Services, Illumina
Classification: Benign for Diabetes mellitus, transient neonatal, 2. Last evaluated: 2018-01-13. Review status: criteria provided, single submitter. Criteria: ICSL Variant Classification Criteria 13 December 2019. Collection method: clinical testing. Allele origin: germline.
Comment: This variant was observed in the ICSL laboratory as part of a predisposition screen in an ostensibly healthy population. It had not been previously curated by ICSL or reported in the Human Gene Mutation Database (HGMD: prior to June 1st, 2018), and was therefore a candidate for classification through an automated scoring system. Utilizing variant allele frequency, disease prevalence and penetrance estimates, and inheritance mode, an automated score was calculated to assess if this variant is too frequent to cause the disease. Based on the score and internal cut-off values, a variant classified as benign is not then subjected to further curation. The score for this variant resulted in a classification of benign for this disease.

Illumina Laboratory Services, Illumina
Classification: Uncertain significance for Permanent neonatal diabetes mellitus 1. Last evaluated: 2018-01-13. Review status: criteria provided, single submitter. Criteria: ICSL Variant Classification Criteria 13 December 2019. Collection method: clinical testing. Allele origin: germline.

Clinical Genomics, Uppaluri K&H Personalized Medicine Clinic
Classification: Uncertain significance for Maturity-onset diabetes of the young. Review status: criteria provided, single submitter. Criteria: K & H Uppaluri Personalized Medicine Clinic Variant Classification & Assertion Criteria_Updated V.1. Collection method: research. Allele origin: unknown. Inheritance: Somatic mutation.
Comment: Mutations in ABCC8 gene are associated with both neonatal diabetes mellitus as well as MODY. Patients with this mutation may have a better response to sulfonylureas. However, no sufficient evidence is found to ascertain the role of this particular variant ( rs149872185) in MODY yet.

Clinical Genomics, Uppaluri K&H Personalized Medicine Clinic
Classification: Uncertain significance for Transitory neonatal diabetes mellitus. Review status: criteria provided, single submitter. Criteria: K & H Uppaluri Personalized Medicine Clinic Variant Classification & Assertion Criteria_Updated V.1. Collection method: research. Allele origin: unknown. Inheritance: Somatic mutation.
Comment: Mutations in ABCC8 gene are associated with both neonatal diabetes mellitus as well as MODY. Patients with this mutation may have a better response to sulfonylureas. However, no sufficient evidence is found to ascertain the role of this particular variant ( rs149872185) in neonatal diabetes yet.

PreventionGenetics, part of Exact Sciences
Classification: Likely benign for ABCC8-related condition. Last evaluated: 2020-01-08. Review status: no assertion criteria provided. Collection method: clinical testing. Allele origin: germline. Not counted in ClinVar's aggregate classification.
Comment: This variant is classified as likely benign based on ACMG/AMP sequence variant interpretation guidelines (Richards et al. 2015 PMID: 25741868, with internal and published modifications).

Literature cited by the submitters: PubMed 16885549 (cited by Clinical Genomics, Uppaluri K&H Personalized Medicine Clinic); PubMed 21989597 (cited by Clinical Genomics, Uppaluri K&H Personalized Medicine Clinic); PubMed 27538677 (cited by Clinical Genomics, Uppaluri K&H Personalized Medicine Clinic); PubMed 18981553 (cited by Clinical Genomics, Uppaluri K&H Personalized Medicine Clinic); PubMed 32027066 (cited by Clinical Genomics, Uppaluri K&H Personalized Medicine Clinic); PubMed 16613899 (cited by Clinical Genomics, Uppaluri K&H Personalized Medicine Clinic); PubMed 18025408 (cited by Clinical Genomics, Uppaluri K&H Personalized Medicine Clinic); PubMed 32792356 (cited by Clinical Genomics, Uppaluri K&H Personalized Medicine Clinic).